The following is an entry in ClinVar:

NM_001231.5(CASQ1):c.1171G>A (p.Asp391Asn)

Gene: CASQ1 (calsequestrin 1; plus strand). Cytogenetic location: 1q23.2.
Variant type: single nucleotide variant.
Coding change: c.1171G>A on transcript NM_001231.5 (MANE Select); coding-DNA position 1171, G replaced by A.
Protein change: p.Asp391Asn; replaces aspartic acid 391 with asparagine.
Molecular consequence: missense variant.
Genome position (GRCh38, 1-based): chr1:160,201,356, G>A. VCF-style: chr1-160201356-G-A. GRCh37 (hg19) VCF-style: chr1-160171146-G-A.
Other names: short protein forms D391N.
Identifiers: ClinVar variation 1389813 (VCV001389813.6), dbSNP rs2101679856, ClinGen allele CA343264602.

ClinVar aggregate classification (germline): Uncertain significance (1 of 4 stars; one submission).

Submission:

Labcorp Genetics (formerly Invitae), Labcorp
Classification: Uncertain significance. Last evaluated: 2024-12-02. Review status: criteria provided, single submitter. Criteria: Invitae Variant Classification Sherloc (09022015). Collection method: clinical testing. Allele origin: germline.
Comment: This sequence change replaces aspartic acid, which is acidic and polar, with asparagine, which is neutral and polar, at codon 391 of the CASQ1 protein (p.Asp391Asn). This variant is not present in population databases (gnomAD no frequency). This variant has not been reported in the literature in individuals affected with CASQ1-related conditions. ClinVar contains an entry for this variant (Variation ID: 1389813). Experimental studies and prediction algorithms are not available or were not evaluated, and the functional significance of this variant is currently unknown. In summary, the available evidence is currently insufficient to determine the role of this variant in disease. Therefore, it has been classified as a Variant of Uncertain Significance.